The following is an entry in ClinVar:

ClinVar aggregate classification (germline): Conflicting classifications of pathogenicity. Review status: criteria provided, conflicting classifications (1 of 4 stars). 4 submissions from 4 submitters: Uncertain significance (1); Likely benign (3). Last evaluated 2026-07-01.

Conditions:
Glycogen storage disease IXb (GSD9B). Also called: PHOSPHORYLASE KINASE DEFICIENCY OF LIVER AND MUSCLE, AUTOSOMAL RECESSIVE; GLYCOGENOSIS OF LIVER AND MUSCLE, AUTOSOMAL RECESSIVE; GSD IXb. Identifiers: Orphanet 79240, MedGen C0543514, MONDO:0009868, OMIM 261750.

Allele frequency attached by ClinVar (database versions not stated): 1000 Genomes Project 30x 0.00016; 1000 Genomes Project 0.00020; gnomAD 0.00033 and 0.00034; TOPMed 0.00036; gnomAD exomes 0.00038; ExAC 0.00039; ESP Exome Variant Server 0.00062.
gnomAD v4.1: 708 of 1,614,084 alleles (0.044%); highest among the groups gnomAD compares: South Asian, 0.11%; 1 homozygote.

Submissions (4):

CeGaT Center for Human Genetics Tuebingen
Classification: Likely benign. Last evaluated: 2026-07-01. Review status: criteria provided, single submitter. Criteria: CeGaT Center For Human Genetics Tuebingen Variant Classification Criteria Version 2. Collection method: clinical testing. Allele origin: germline. Affected: yes. Observed: 4 variant alleles.
Comment: PHKB: BP4, BP7

Labcorp Genetics (formerly Invitae), Labcorp
Classification: Likely benign for Glycogen storage disease IXb. Last evaluated: 2026-01-30. Review status: criteria provided, single submitter. Criteria: Invitae Variant Classification Sherloc (09022015). Collection method: clinical testing. Allele origin: germline.

Blueprint Genetics
Classification: Likely benign. Last evaluated: 2024-07-23. Review status: criteria provided, single submitter. Criteria: ACMG Guidelines, 2015. Collection method: clinical testing. Allele origin: germline.

Illumina Laboratory Services, Illumina
Classification: Uncertain significance for Glycogen storage disease IXb. Last evaluated: 2018-01-13. Review status: criteria provided, single submitter. Criteria: ICSL Variant Classification Criteria 13 December 2019. Collection method: clinical testing. Allele origin: germline.

NM_000293.3(PHKB):c.3216G>A (p.Ala1072=)

Gene: PHKB (phosphorylase kinase regulatory subunit beta; plus strand). Cytogenetic location: 16q12.1.
Variant type: single nucleotide variant.
Coding change: c.3216G>A on transcript NM_000293.3 (MANE Select); coding-DNA position 3216, G replaced by A.
Protein change: p.Ala1072=; no amino-acid change (alanine 1072 retained).
Molecular consequence: synonymous variant.
Genome position (GRCh38, 1-based): chr16:47,699,300, G>A. VCF-style: chr16-47699300-G-A. GRCh37 (hg19) VCF-style: chr16-47733211-G-A.
Other names: c.3195G>A, p.Ala1065= (NM_001031835.3); c.3216G>A, p.Ala1072= (NM_001363837.1).
Identifiers: ClinVar variation 319365 (VCV000319365.40), dbSNP rs137869198, ClinGen allele CA8041487.